The following is an entry in ClinVar:

NM_003072.5(SMARCA4):c.2527del (p.Ala843fs)

Gene: SMARCA4 (SWI/SNF related BAF chromatin remodeling complex subunit ATPase 4; plus strand). Cytogenetic location: 19p13.2.
Variant type: Deletion.
Coding change: c.2527del on transcript NM_003072.5 (MANE Select); coding-DNA position 2527, one base deleted (G; older notation c.2527delG).
Protein change: p.Ala843fs; shifts the reading frame from alanine 843.
Molecular consequence: frameshift variant. On other transcripts: non-coding transcript variant (1).
Genome position (GRCh38, 1-based): chr19:11,019,612, G deleted; the last of 3 consecutive G bases (chr19:11,019,610-11,019,612); deleting any one gives the same sequence. VCF-style (leftmost placement, unchanged base first): chr19-11019609-CG-C. GRCh37 (hg19) VCF-style: chr19-11130285-CG-C.
Other names: c.2527del, p.Ala843fs (NM_001128844.3, NM_001128845.2, NM_001128846.2 and 5 more transcripts); short protein forms A843fs.
Identifiers: ClinVar variation 1442150 (VCV001442150.6), dbSNP rs2146373508, ClinGen allele CA2573155625.

ClinVar aggregate classification (germline): Pathogenic (1 of 4 stars; one submission).

Conditions:
Rhabdoid tumor predisposition syndrome 2 (RTPS2). Identifiers: Orphanet 231108, Orphanet 69077, MedGen C2750074, MONDO:0013224, OMIM 613325.

Submission:

Labcorp Genetics (formerly Invitae), Labcorp
Classification: Pathogenic for Rhabdoid tumor predisposition syndrome 2. Last evaluated: 2021-08-11. Review status: criteria provided, single submitter. Criteria: Invitae Variant Classification Sherloc (09022015). Collection method: clinical testing. Allele origin: germline.
Comment: For these reasons, this variant has been classified as Pathogenic. This variant has not been reported in the literature in individuals affected with SMARCA4-related conditions. This variant is not present in population databases (ExAC no frequency). This sequence change creates a premature translational stop signal (p.Ala843Profs*15) in the SMARCA4 gene. It is expected to result in an absent or disrupted protein product. Loss-of-function variants in SMARCA4 are known to be pathogenic (PMID: 24658001, 24658002).

Literature cited by the submitters: PubMed 24658001; PubMed 24658002.